The following is an entry in ClinVar:

NM_001110556.2(FLNA):c.1582G>A (p.Val528Met)

Gene: FLNA (filamin A; minus strand). Cytogenetic location: Xq28.
Variant type: single nucleotide variant.
Coding change: c.1582G>A on transcript NM_001110556.2 (MANE Select); coding-DNA position 1582, G replaced by A.
Protein change: p.Val528Met; replaces valine 528 with methionine.
Molecular consequence: missense variant.
Genome position (GRCh38, 1-based): chrX:154,365,245, C>T on the plus strand (G>A on the coding strand, the complement: FLNA is on the minus strand). VCF-style: chrX-154365245-C-T. GRCh37 (hg19) VCF-style: chrX-153593613-C-T.
Other names: p.V528M:GTG>ATG; NM_001110556.1:c.1582G>A(p.Val528Met); NM_001456.3:c.1582G>A(p.Val528Met); c.1582G>A, p.Val528Met (NM_001456.4); short protein forms V528M.
Identifiers: ClinVar variation 193845 (VCV000193845.31), dbSNP rs143873938, ClinGen allele CA302718.

ClinVar aggregate classification (germline): Benign/Likely benign. Review status: criteria provided, multiple submitters, no conflicts (2 of 4 stars). 10 submissions from 10 submitters: Benign (7); Likely benign (3). Last evaluated 2026-01-26.

Conditions:
Oto-palato-digital syndrome, type II (OPD2). Also called: FACIOPALATOOSSEOUS SYNDROME; OPD II SYNDROME; Otopalatodigital Syndrome, Type II; Otopalatodigital Syndrome Type 2 (FLNA-OPD2). Identifiers: Orphanet 669, Orphanet 90652, MedGen C1844696, MONDO:0010571, OMIM 304120.
Melnick-Needles syndrome (MNS). Also called: MELNICK-NEEDLES OSTEODYSPLASTY; OSTEODYSPLASTY OF MELNICK AND NEEDLES; Melnick-Needles Syndrome (FLNA-MNS). Identifiers: Orphanet 2484, MedGen C0025237, MONDO:0010650, OMIM 309350.
Frontometaphyseal dysplasia (FMD1). Identifiers: Orphanet 1826, MedGen C0265293, MONDO:0015942.
Heterotopia, periventricular, X-linked dominant (PVNH1). Also called: PERIVENTRICULAR NODULAR HETEROTOPIA 1; X-linked periventricular heterotopia; PERIVENTRICULAR NODULAR HETEROTOPIA 4; HETEROTOPIA, PERIVENTRICULAR, 1. Identifiers: Orphanet 2149, Orphanet 82004, MedGen C1848213, MONDO:0010233, OMIM 300049.
Familial thoracic aortic aneurysm and aortic dissection (TAAD). Also called: Thoracic aortic aneurysms and dissections. Identifiers: Orphanet 91387, MedGen C4707243, MONDO:0019625.

Allele frequency attached by ClinVar (database versions not stated): gnomAD exomes 0.00124 and 0.00313; TOPMed 0.00204; ExAC 0.00335; 1000 Genomes Project 30x 0.00728; 1000 Genomes Project 0.00848.
gnomAD v4.1: 1,477 of 1,210,671 alleles (0.12%); highest among the groups gnomAD compares: East Asian, 4.1%; 22 homozygotes.

Submissions (10):

Labcorp Genetics (formerly Invitae), Labcorp
Classification: Benign for Oto-palato-digital syndrome, type II; Heterotopia, periventricular, X-linked dominant; Frontometaphyseal dysplasia; Melnick-Needles syndrome. Last evaluated: 2026-01-26. Review status: criteria provided, single submitter. Criteria: Invitae Variant Classification Sherloc (09022015). Collection method: clinical testing. Allele origin: germline.

ARUP Laboratories, Molecular Genetics and Genomics, ARUP Laboratories
Classification: Benign. Last evaluated: 2024-06-18. Review status: criteria provided, single submitter. Criteria: ARUP Molecular Germline Variant Investigation Process 2024. Collection method: clinical testing. Allele origin: germline.

Women's Health and Genetics/Laboratory Corporation of America, LabCorp
Classification: Likely benign. Last evaluated: 2024-01-01. Review status: criteria provided, single submitter. Criteria: LabCorp Variant Classification Summary - May 2015. Collection method: clinical testing. Allele origin: germline.

SIB Swiss Institute of Bioinformatics
Classification: Benign for Heterotopia, periventricular, X-linked dominant. Last evaluated: 2018-05-31. Review status: criteria provided, single submitter. Criteria: ACMG Guidelines, 2015. Collection method: curation. Allele origin: unknown.
Comment: This variant is interpreted as a Benign, for Periventricular nodular heterotopia 1, in X-linked Dominant manner. The following ACMG Tag(s) were applied: BS1 => Allele frequency is greater than expected for disorder. BS2 => Observed in a healthy adult individual for a recessive (homozygous), dominant (heterozygous), or X-linked (hemizygous) disorder, with full penetrance expected at an early age.

Ambry Genetics
Classification: Benign for Familial thoracic aortic aneurysm and aortic dissection. Last evaluated: 2016-07-14. Review status: criteria provided, single submitter. Criteria: Ambry Variant Classification Scheme 2023. Collection method: clinical testing. Allele origin: germline.

Soonchunhyang University Bucheon Hospital, Soonchunhyang University Medical Center
Classification: Likely benign for Heterotopia, periventricular, X-linked dominant. Last evaluated: 2016-03-18. Review status: criteria provided, single submitter. Criteria: ACMG Guidelines, 2015. Collection method: reference population. Allele origin: germline. Observed: 3 variant alleles.

Eurofins Ntd Llc (ga)
Classification: Benign. Last evaluated: 2015-02-14. Review status: criteria provided, single submitter. Criteria: EGL Classification Definitions 2015. Collection method: clinical testing. Allele origin: germline. Observed: 1 variant allele, 1 hemizygote.

GeneDx
Classification: Benign. Last evaluated: 2014-10-16. Review status: criteria provided, single submitter. Criteria: GeneDx Variant Classification (06012015). Collection method: clinical testing. Allele origin: germline. Affected: yes.
Comment: This variant is considered likely benign or benign based on one or more of the following criteria: it is a conservative change, it occurs at a poorly conserved position in the protein, it is predicted to be benign by multiple in silico algorithms, and/or has population frequency not consistent with disease.

Breakthrough Genomics
Classification: Likely benign. Review status: criteria provided, single submitter. Criteria: ACMG Guidelines, 2015. Collection method: not provided. Allele origin: germline. Inheritance: X-linked inheritance. Affected: yes.

PreventionGenetics, part of Exact Sciences
Classification: Benign. Review status: criteria provided, single submitter. Criteria: ACMG Guidelines, 2015. Collection method: clinical testing. Allele origin: germline.

Literature cited by the submitters: PubMed 12410386 (cited by Soonchunhyang University Bucheon Hospital, Soonchunhyang University Medical Center); PubMed 20844545 (cited by Soonchunhyang University Bucheon Hospital, Soonchunhyang University Medical Center).